The following is an entry in ClinVar:

ClinVar aggregate classification (germline): Uncertain significance (1 of 4 stars; one submission).

Allele frequency attached by ClinVar (database versions not stated): gnomAD 0.00001.
gnomAD v4.1: 1 of 1,208,995 alleles (0.000083%); highest among the groups gnomAD compares: Admixed American, 0.0022%; no homozygotes.

Submission:

GeneDx
Classification: Uncertain significance. Last evaluated: 2022-11-30. Review status: criteria provided, single submitter. Criteria: GeneDx Variant Classification Process June 2021. Collection method: clinical testing. Allele origin: germline. Affected: yes.
Comment: Not observed at significant frequency in large population cohorts (gnomAD); In silico analysis supports that this variant does not alter splicing; Has not been previously published as pathogenic or benign to our knowledge

NM_000330.4(RS1):c.184+3219A>T

Genes: CDKL5 (cyclin dependent kinase like 5; plus strand), RS1 (retinoschisin 1; minus strand). Cytogenetic location: Xp22.13.
Variant type: single nucleotide variant.
Coding change: c.184+3219A>T on transcript NM_000330.4 (MANE Select); 3219 bases into the intron after coding-DNA position 184, A replaced by T.
Molecular consequence: intron variant. On other transcripts: missense variant (2).
Genome position (GRCh38, 1-based): chrX:18,653,434, T>A on the plus strand (A>T on the coding strand, the complement: RS1 is on the minus strand). VCF-style: chrX-18653434-T-A. GRCh37 (hg19) VCF-style: chrX-18671554-T-A.
Other names: c.2983T>A, p.Phe995Ile (NM_001037343.2, NM_003159.3); short protein forms F995I.
Identifiers: ClinVar variation 2504263 (VCV002504263.1), dbSNP rs1928132748, ClinGen allele CA412374323.